The following is an entry in ClinVar:

ClinVar aggregate classification (germline): Uncertain significance. Review status: criteria provided, multiple submitters, no conflicts (2 of 4 stars). 2 submissions from 2 submitters: Uncertain significance (2). Last evaluated 2023-10-17.

Conditions:
Norman-Roberts syndrome (LIS2). Also called: Lissencephaly 2 (Norman-Roberts type). Identifiers: Orphanet 89844, MedGen C0796089, MONDO:0009760, OMIM 257320.
Familial temporal lobe epilepsy 7. Identifiers: Orphanet 101046, MedGen C4225327, MONDO:0014639, OMIM 616436.

Submissions (2):

Labcorp Genetics (formerly Invitae), Labcorp
Classification: Uncertain significance for Familial temporal lobe epilepsy 7; Norman-Roberts syndrome. Last evaluated: 2023-10-17. Review status: criteria provided, single submitter. Criteria: Invitae Variant Classification Sherloc (09022015). Collection method: clinical testing. Allele origin: germline.
Comment: This sequence change replaces arginine, which is basic and polar, with lysine, which is basic and polar, at codon 992 of the RELN protein (p.Arg992Lys). This variant is not present in population databases (gnomAD no frequency). This variant has not been reported in the literature in individuals affected with RELN-related conditions. ClinVar contains an entry for this variant (Variation ID: 950220). Advanced modeling of protein sequence and biophysical properties (such as structural, functional, and spatial information, amino acid conservation, physicochemical variation, residue mobility, and thermodynamic stability) performed at Invitae indicates that this missense variant is not expected to disrupt RELN protein function. In summary, the available evidence is currently insufficient to determine the role of this variant in disease. Therefore, it has been classified as a Variant of Uncertain Significance.

GeneDx
Classification: Uncertain significance. Last evaluated: 2023-04-06. Review status: criteria provided, single submitter. Criteria: GeneDx Variant Classification Process June 2021. Collection method: clinical testing. Allele origin: germline. Affected: yes.
Comment: Not observed at significant frequency in large population cohorts (gnomAD); In silico analysis supports that this missense variant does not alter protein structure/function; Has not been previously published as pathogenic or benign to our knowledge

NM_005045.4(RELN):c.2975G>A (p.Arg992Lys)

Gene: RELN (reelin; minus strand). Cytogenetic location: 7q22.1.
Variant type: single nucleotide variant.
Coding change: c.2975G>A on transcript NM_005045.4 (MANE Select); coding-DNA position 2975, G replaced by A.
Protein change: p.Arg992Lys; replaces arginine 992 with lysine.
Molecular consequence: missense variant.
Genome position (GRCh38, 1-based): chr7:103,610,728, C>T on the plus strand (G>A on the coding strand, the complement: RELN is on the minus strand). VCF-style: chr7-103610728-C-T. GRCh37 (hg19) VCF-style: chr7-103251175-C-T.
Other names: c.2975G>A, p.Arg992Lys (NM_173054.3); short protein forms R992K.
Identifiers: ClinVar variation 950220 (VCV000950220.10), dbSNP rs1831932455, ClinGen allele CA368765673.